The following is an entry in ClinVar:

ClinVar aggregate classification (germline): Uncertain significance (1 of 4 stars; one submission).

Conditions:
Noonan syndrome 8 (NS8). Identifiers: Orphanet 648, MedGen C3809233, MONDO:0014143, OMIM 615355.

Allele frequency attached by ClinVar (database versions not stated): gnomAD exomes below 0.00001.
gnomAD v4.1: 2 of 1,614,168 alleles (0.00012%); highest among the groups gnomAD compares: East Asian, 0.0022%; no homozygotes.

Submission:

Labcorp Genetics (formerly Invitae), Labcorp
Classification: Uncertain significance for Noonan syndrome 8. Last evaluated: 2023-06-08. Review status: criteria provided, single submitter. Criteria: Invitae Variant Classification Sherloc (09022015). Collection method: clinical testing. Allele origin: germline.
Comment: Advanced modeling of protein sequence and biophysical properties (such as structural, functional, and spatial information, amino acid conservation, physicochemical variation, residue mobility, and thermodynamic stability) performed at Invitae indicates that this missense variant is not expected to disrupt RIT1 protein function. ClinVar contains an entry for this variant (Variation ID: 1976683). This variant has not been reported in the literature in individuals affected with RIT1-related conditions. This variant is present in population databases (no rsID available, gnomAD 0.006%). This sequence change replaces threonine, which is neutral and polar, with alanine, which is neutral and non-polar, at codon 127 of the RIT1 protein (p.Thr127Ala). In summary, the available evidence is currently insufficient to determine the role of this variant in disease. Therefore, it has been classified as a Variant of Uncertain Significance.

NM_006912.6(RIT1):c.379A>G (p.Thr127Ala)

Gene: RIT1 (Ras like without CAAX 1; minus strand). Cytogenetic location: 1q22.
Variant type: single nucleotide variant.
Coding change: c.379A>G on transcript NM_006912.6 (MANE Select); coding-DNA position 379, A replaced by G.
Protein change: p.Thr127Ala; replaces threonine 127 with alanine.
Molecular consequence: missense variant.
Genome position (GRCh38, 1-based): chr1:155,904,361, T>C on the plus strand (A>G on the coding strand, the complement: RIT1 is on the minus strand). VCF-style: chr1-155904361-T-C. GRCh37 (hg19) VCF-style: chr1-155874152-T-C.
Other names: c.271A>G, p.Thr91Ala (NM_001256820.2); c.430A>G, p.Thr144Ala (NM_001256821.2); short protein forms T91A, T144A, T127A.
Identifiers: ClinVar variation 1976683 (VCV001976683.5), dbSNP rs1333509248, ClinGen allele CA342802250.